The following is an entry in ClinVar:

ClinVar aggregate classification (germline): Uncertain significance (1 of 4 stars; one submission).

Conditions:
RYR1-related disorder. Also called: RYR1-related condition; RYR1-related disorders. Identifiers: MedGen CN239331.

Allele frequency attached by ClinVar (database versions not stated): gnomAD exomes below 0.00001; ExAC 0.00001; gnomAD 0.00001.
gnomAD v4.1: 6 of 1,612,378 alleles (0.00037%); highest among the groups gnomAD compares: African/African-American, 0.0013%; no homozygotes.

Submission:

Labcorp Genetics (formerly Invitae), Labcorp
Classification: Uncertain significance for RYR1-related disorder. Last evaluated: 2021-08-31. Review status: criteria provided, single submitter. Criteria: Invitae Variant Classification Sherloc (09022015). Collection method: clinical testing. Allele origin: germline.
Comment: This sequence change replaces alanine with valine at codon 1806 of the RYR1 protein (p.Ala1806Val). The alanine residue is moderately conserved and there is a small physicochemical difference between alanine and valine. This variant is present in population databases (rs771024285, ExAC 0.009%). This variant has not been reported in the literature in individuals affected with RYR1-related conditions. Advanced modeling of protein sequence and biophysical properties (such as structural, functional, and spatial information, amino acid conservation, physicochemical variation, residue mobility, and thermodynamic stability) performed at Invitae indicates that this missense variant is not expected to disrupt RYR1 protein function. In summary, the available evidence is currently insufficient to determine the role of this variant in disease. Therefore, it has been classified as a Variant of Uncertain Significance.

NM_000540.3(RYR1):c.5417C>T (p.Ala1806Val)

Gene: RYR1 (ryanodine receptor 1; plus strand). Cytogenetic location: 19q13.2.
Variant type: single nucleotide variant.
Coding change: c.5417C>T on transcript NM_000540.3 (MANE Select); coding-DNA position 5417, C replaced by T.
Protein change: p.Ala1806Val; replaces alanine 1806 with valine.
Molecular consequence: missense variant.
Genome position (GRCh38, 1-based): chr19:38,486,072, C>T. VCF-style: chr19-38486072-C-T. GRCh37 (hg19) VCF-style: chr19-38976712-C-T.
Other names: c.5417C>T, p.Ala1806Val (NM_001042723.2); short protein forms A1806V.
Identifiers: ClinVar variation 1450764 (VCV001450764.5), dbSNP rs771024285, ClinGen allele CA067077.